The following is an entry in ClinVar:

ClinVar aggregate classification (germline): Uncertain significance. Review status: criteria provided, multiple submitters, no conflicts (2 of 4 stars). 2 submissions from 2 submitters: Uncertain significance (2). Last evaluated 2024-07-02.

Conditions:
Early-infantile DEE. Also called: Early infantile epileptic encephalopathy; Early infantile epileptic encephalopathy with suppression bursts; Ohtahara syndrome. Identifiers: Orphanet 1934, MedGen C0393706, MONDO:0800491.
Inborn genetic diseases. Identifiers: MedGen C0950123, MeSH D030342.

Allele frequency attached by ClinVar (database versions not stated): gnomAD exomes below 0.00001; TOPMed 0.00001.
gnomAD v4.1: 7 of 1,614,128 alleles (0.00043%); highest among the groups gnomAD compares: Non-Finnish European, 0.00042%; no homozygotes.

Submissions (2):

Ambry Genetics
Classification: Uncertain significance for Inborn genetic diseases. Last evaluated: 2024-07-02. Review status: criteria provided, single submitter. Criteria: Ambry Variant Classification Scheme 2023. Collection method: clinical testing. Allele origin: germline.

Labcorp Genetics (formerly Invitae), Labcorp
Classification: Uncertain significance for Early-infantile DEE. Last evaluated: 2023-04-09. Review status: criteria provided, single submitter. Criteria: Invitae Variant Classification Sherloc (09022015). Collection method: clinical testing. Allele origin: germline.
Comment: Advanced modeling of protein sequence and biophysical properties (such as structural, functional, and spatial information, amino acid conservation, physicochemical variation, residue mobility, and thermodynamic stability) has been performed at Invitae for this missense variant, however the output from this modeling did not meet the statistical confidence thresholds required to predict the impact of this variant on SPTAN1 protein function. This variant has not been reported in the literature in individuals affected with SPTAN1-related conditions. This variant is present in population databases (no rsID available, gnomAD 0.0009%). This sequence change replaces glutamine, which is neutral and polar, with glutamic acid, which is acidic and polar, at codon 2088 of the SPTAN1 protein (p.Gln2088Glu). In summary, the available evidence is currently insufficient to determine the role of this variant in disease. Therefore, it has been classified as a Variant of Uncertain Significance.

NM_001130438.3(SPTAN1):c.6262C>G (p.Gln2088Glu)

Gene: SPTAN1 (spectrin alpha, non-erythrocytic 1; plus strand). Cytogenetic location: 9q34.11.
Variant type: single nucleotide variant.
Coding change: c.6262C>G on transcript NM_001130438.3 (MANE Select); coding-DNA position 6262, C replaced by G.
Protein change: p.Gln2088Glu; replaces glutamine 2088 with glutamic acid.
Molecular consequence: missense variant.
Genome position (GRCh38, 1-based): chr9:128,625,961, C>G. VCF-style: chr9-128625961-C-G. GRCh37 (hg19) VCF-style: chr9-131388240-C-G.
Other names: c.6262C>G (NM_001130438.2); c.6187C>G, p.Gln2063Glu (NM_001195532.2); c.6262C>G, p.Gln2088Glu (NM_001363759.2, NM_001375310.1, NM_001375311.2 and 1 more transcripts); c.6202C>G, p.Gln2068Glu (NM_001363765.2, NM_001375314.2); c.6298C>G, p.Gln2100Glu (NM_001375312.2, NM_001375318.1); c.6247C>G, p.Gln2083Glu (NM_003127.4); short protein forms Q2063E, Q2083E, Q2068E, Q2088E, Q2100E.
Identifiers: ClinVar variation 2790794 (VCV002790794.4), dbSNP rs1443731115, ClinGen allele CA375087325.